The following is an entry in ClinVar:

NM_001267052.2(UNC45B):c.2593C>T (p.Arg865Trp)

Gene: UNC45B (unc-45 myosin chaperone B; plus strand). Cytogenetic location: 17q12.
Variant type: single nucleotide variant.
Coding change: c.2593C>T on transcript NM_001267052.2 (MANE Select); coding-DNA position 2593, C replaced by T.
Protein change: p.Arg865Trp; replaces arginine 865 with tryptophan.
Molecular consequence: missense variant.
Genome position (GRCh38, 1-based): chr17:35,186,362, C>T. VCF-style: chr17-35186362-C-T. GRCh37 (hg19) VCF-style: chr17-33513381-C-T.
Other names: c.2593C>T, p.Arg865Trp (NM_001033576.2); c.2356C>T, p.Arg786Trp (NM_001308281.1); c.2599C>T, p.Arg867Trp (NM_173167.3); short protein forms R786W, R865W, R867W.
Identifiers: ClinVar variation 2084649 (VCV002084649.1), dbSNP rs200940318, ClinGen allele CA8501592.
Genomic context (GRCh38, chr17:35,186,362, plus strand): 5'-ACCCAGTGGTTGGAGATCCTCCAGCGGCTTTGCCTGCACGACCAGCTGTCTGTCCAACAC[C>T]GGGGCCTGGTCATTGCCTACAACCTACTGGCAGCCGATGCTGAGCTGGCCAAGAAGCTGG-3'
Protein context (NP_001253981.1, residues 855-875): CLHDQLSVQH[Arg865Trp]GLVIAYNLLA

ClinVar aggregate classification (germline): Uncertain significance (1 of 4 stars; one submission).

Allele frequency attached by ClinVar (database versions not stated): ESP Exome Variant Server 0.00015; 1000 Genomes Project 30x 0.00016; gnomAD 0.00019; 1000 Genomes Project 0.00020; TOPMed 0.00024.
gnomAD v4.1: 59 of 1,614,186 alleles (0.0037%); highest among the groups gnomAD compares: African/African-American, 0.064%; no homozygotes.

Submission:

Labcorp Genetics (formerly Invitae), Labcorp
Classification: Uncertain significance. Last evaluated: 2022-09-27. Review status: criteria provided, single submitter. Criteria: Invitae Variant Classification Sherloc (09022015). Collection method: clinical testing. Allele origin: germline.
Comment: This sequence change replaces arginine, which is basic and polar, with tryptophan, which is neutral and slightly polar, at codon 867 of the UNC45B protein (p.Arg867Trp). This variant is present in population databases (rs200940318, gnomAD 0.03%). This variant has not been reported in the literature in individuals affected with UNC45B-related conditions. Advanced modeling of protein sequence and biophysical properties (such as structural, functional, and spatial information, amino acid conservation, physicochemical variation, residue mobility, and thermodynamic stability) performed at Invitae indicates that this missense variant is expected to disrupt UNC45B protein function. In summary, the available evidence is currently insufficient to determine the role of this variant in disease. Therefore, it has been classified as a Variant of Uncertain Significance.